The following is an entry in ClinVar:

ClinVar aggregate classification (germline): Uncertain significance (1 of 4 stars; one submission).

Allele frequency attached by ClinVar (database versions not stated): gnomAD exomes below 0.00001; TOPMed 0.00001.
gnomAD v4.1: 2 of 1,611,962 alleles (0.00012%); highest among the groups gnomAD compares: Non-Finnish European, 0.00017%; no homozygotes.

Submission:

Labcorp Genetics (formerly Invitae), Labcorp
Classification: Uncertain significance. Last evaluated: 2024-10-17. Review status: criteria provided, single submitter. Criteria: Invitae Variant Classification Sherloc (09022015). Collection method: clinical testing. Allele origin: germline.
Comment: This sequence change replaces serine, which is neutral and polar, with threonine, which is neutral and polar, at codon 166 of the APOA1 protein (p.Ser166Thr). This variant is not present in population databases (gnomAD no frequency). This variant has not been reported in the literature in individuals affected with APOA1-related conditions. Invitae Evidence Modeling of protein sequence and biophysical properties (such as structural, functional, and spatial information, amino acid conservation, physicochemical variation, residue mobility, and thermodynamic stability) indicates that this missense variant is not expected to disrupt APOA1 protein function with a negative predictive value of 95%. In summary, the available evidence is currently insufficient to determine the role of this variant in disease. Therefore, it has been classified as a Variant of Uncertain Significance.

NM_000039.3(APOA1):c.497G>C (p.Ser166Thr)

Gene: APOA1 (apolipoprotein A1; minus strand). Cytogenetic location: 11q23.3.
Variant type: single nucleotide variant.
Coding change: c.497G>C on transcript NM_000039.3 (MANE Select); coding-DNA position 497, G replaced by C.
Protein change: p.Ser166Thr; replaces serine 166 with threonine.
Molecular consequence: missense variant.
Genome position (GRCh38, 1-based): chr11:116,836,115, C>G on the plus strand (G>C on the coding strand, the complement: APOA1 is on the minus strand). VCF-style: chr11-116836115-C-G. GRCh37 (hg19) VCF-style: chr11-116706831-C-G.
Other names: c.497G>C, p.Ser166Thr (NM_001318017.2, NM_001318018.2, NM_001425090.1); c.170G>C, p.Ser57Thr (NM_001318021.2, NM_001425091.1, NM_001425092.1); c.452G>C, p.Ser151Thr (NM_001425093.1); short protein forms S57T, S151T, S166T.
Identifiers: ClinVar variation 2872293 (VCV002872293.3), dbSNP rs1326234415, ClinGen allele CA382715489.